The following is an entry in ClinVar:

ClinVar aggregate classification (germline): Uncertain significance. Review status: criteria provided, multiple submitters, no conflicts (2 of 4 stars). 2 submissions from 2 submitters: Uncertain significance (2). Last evaluated 2024-12-15.

Conditions:
Dyskeratosis congenita, autosomal recessive 5 (DKCB5). Identifiers: MedGen C3554656, MONDO:0014076, OMIM 615190.
Pulmonary fibrosis and/or bone marrow failure, Telomere-related, 3. Also called: PULMONARY FIBROSIS AND/OR BONE MARROW FAILURE SYNDROME, TELOMERE-RELATED, 3. Identifiers: Orphanet 2032, MedGen C4225346, MONDO:0014613, OMIM 616373.
Inborn genetic diseases. Identifiers: MedGen C0950123, MeSH D030342.

Allele frequency attached by ClinVar (database versions not stated): gnomAD exomes below 0.00001; TOPMed below 0.00001; gnomAD 0.00002.
gnomAD v4.1: 7 of 1,567,526 alleles (0.00045%); highest among the groups gnomAD compares: African/African-American, 0.0041%; no homozygotes.

Submissions (2):

Ambry Genetics
Classification: Uncertain significance for Inborn genetic diseases. Last evaluated: 2024-12-15. Review status: criteria provided, single submitter. Criteria: Ambry Variant Classification Scheme 2023. Collection method: clinical testing. Allele origin: germline.
Comment: The p.E842K variant (also known as c.2524G>A), located in coding exon 26 of the RTEL1 gene, results from a G to A substitution at nucleotide position 2524. The glutamic acid at codon 842 is replaced by lysine, an amino acid with similar properties. This amino acid position is conserved. In addition, this alteration is predicted to be tolerated by in silico analysis. Based on the available evidence, the clinical significance of this variant remains unclear.

Labcorp Genetics (formerly Invitae), Labcorp
Classification: Uncertain significance for Dyskeratosis congenita, autosomal recessive 5; Pulmonary fibrosis and/or bone marrow failure, Telomere-related, 3. Last evaluated: 2024-01-08. Review status: criteria provided, single submitter. Criteria: Invitae Variant Classification Sherloc (09022015). Collection method: clinical testing. Allele origin: germline.
Comment: This sequence change replaces glutamic acid, which is acidic and polar, with lysine, which is basic and polar, at codon 842 of the RTEL1 protein (p.Glu842Lys). The frequency data for this variant in the population databases is considered unreliable, as metrics indicate poor data quality at this position in the gnomAD database. This variant has not been reported in the literature in individuals affected with RTEL1-related conditions. ClinVar contains an entry for this variant (Variation ID: 2202229). An algorithm developed to predict the effect of missense changes on protein structure and function (PolyPhen-2) suggests that this variant is likely to be tolerated. In summary, the available evidence is currently insufficient to determine the role of this variant in disease. Therefore, it has been classified as a Variant of Uncertain Significance.

NM_001283009.2(RTEL1):c.2524G>A (p.Glu842Lys)

Genes: RTEL1 (regulator of telomere elongation helicase 1; plus strand), RTEL1-TNFRSF6B (RTEL1-TNFRSF6B readthrough (NMD candidate); plus strand). Cytogenetic location: 20q13.33.
Variant type: single nucleotide variant.
Coding change: c.2524G>A on transcript NM_001283009.2 (MANE Select); coding-DNA position 2524, G replaced by A.
Protein change: p.Glu842Lys; replaces glutamic acid 842 with lysine.
Molecular consequence: missense variant. On other transcripts: non-coding transcript variant (1).
Genome position (GRCh38, 1-based): chr20:63,690,915, G>A. VCF-style: chr20-63690915-G-A. GRCh37 (hg19) VCF-style: chr20-62322268-G-A.
Other names: c.1855G>A, p.Glu619Lys (NM_001283010.1); c.2524G>A, p.Glu842Lys (NM_016434.4); c.2596G>A, p.Glu866Lys (NM_032957.5); short protein forms E619K, E866K, E842K.
Identifiers: ClinVar variation 2202229 (VCV002202229.5), dbSNP rs1465400494, ClinGen allele CA409681752.